The following is an entry in ClinVar:

ClinVar aggregate classification (germline): Conflicting classifications of pathogenicity. Review status: criteria provided, conflicting classifications (1 of 4 stars). 11 submissions from 11 submitters: Uncertain significance (8); Likely benign (1). 2 of the submissions do not count toward it. Last evaluated 2026-06-15.

Conditions:
CEP164-related disorder. Also called: CEP164-related condition.
Retinal dystrophy. Also called: Inherited retinal dystrophy. Identifiers: Orphanet 71862, MedGen C0854723, MeSH D058499, MONDO:0019118, HP:0000556.
Nephronophthisis 15 (NPHP15). Identifiers: Orphanet 3156, MedGen C3541853, MONDO:0013917, OMIM 614845.

Allele frequency attached by ClinVar (database versions not stated): ExAC 0.00023; 1000 Genomes Project 30x 0.00031; ESP Exome Variant Server 0.00031; gnomAD exomes 0.00036 and 0.00069; 1000 Genomes Project 0.00040; gnomAD 0.00043 and 0.00045; TOPMed 0.00046.
gnomAD v4.1: 1,077 of 1,613,940 alleles (0.067%); highest among the groups gnomAD compares: Middle Eastern, 0.12%; 6 homozygotes.

Submissions (11):

PreventionGenetics, part of Exact Sciences
Classification: Uncertain significance for CEP164-related condition. Last evaluated: 2026-06-15. Review status: criteria provided, single submitter. Criteria: ACMG Guidelines, 2015. Collection method: clinical testing. Allele origin: germline.
Comment: The CEP164 c.3001C>G variant is predicted to result in the amino acid substitution p.Leu1001Val. To our knowledge, this variant has not been reported in the literature. This variant is reported in 0.066% of alleles in individuals of European (Non-Finnish) descent in gnomAD, which may be too frequent to be a primary cause of disease. Although we suspect that this variant may be benign, at this time, the clinical significance of this variant is uncertain due to the absence of conclusive functional and genetic evidence.

Women's Health and Genetics/Laboratory Corporation of America, LabCorp
Classification: Uncertain significance. Last evaluated: 2026-05-06. Review status: criteria provided, single submitter. Criteria: LabCorp Variant Classification Summary - May 2015. Collection method: clinical testing. Allele origin: germline.
Comment: Variant summary: CEP164 c.3001C>G (p.Leu1001Val) results in a conservative amino acid change in the encoded protein sequence. Algorithms developed to predict the effect of missense changes on protein structure and function all suggest that this variant is likely to be tolerated. The variant allele was found at a frequency of 0.00036 in 251216 control chromosomes in the gnomAD database, including 2 homozygotes. This frequency is not significantly higher than estimated for disease-causing variants in CEP164, allowing no conclusion about variant significance. To our knowledge, no occurrence of c.3001C>G in individuals affected with CEP164-related conditions and no experimental evidence demonstrating its impact on protein function have been reported. ClinVar contains an entry for this variant (Variation ID: 429616). Based on the evidence outlined above, the variant was classified as uncertain significance.

Labcorp Genetics (formerly Invitae), Labcorp
Classification: Uncertain significance for Nephronophthisis 15. Last evaluated: 2025-01-02. Review status: criteria provided, single submitter. Criteria: Invitae Variant Classification Sherloc (09022015). Collection method: clinical testing. Allele origin: germline.
Comment: This sequence change replaces leucine, which is neutral and non-polar, with valine, which is neutral and non-polar, at codon 1001 of the CEP164 protein (p.Leu1001Val). This variant is present in population databases (rs199637319, gnomAD 0.06%). This variant has not been reported in the literature in individuals affected with CEP164-related conditions. ClinVar contains an entry for this variant (Variation ID: 429616). Invitae Evidence Modeling of protein sequence and biophysical properties (such as structural, functional, and spatial information, amino acid conservation, physicochemical variation, residue mobility, and thermodynamic stability) indicates that this missense variant is not expected to disrupt CEP164 protein function with a negative predictive value of 80%. In summary, the available evidence is currently insufficient to determine the role of this variant in disease. Therefore, it has been classified as a Variant of Uncertain Significance.

Blueprint Genetics
Classification: Likely benign. Last evaluated: 2024-11-27. Review status: criteria provided, single submitter. Criteria: ACMG Guidelines, 2015. Collection method: clinical testing. Allele origin: germline.

Fulgent Genetics
Classification: Uncertain significance for Nephronophthisis 15. Last evaluated: 2018-10-31. Review status: criteria provided, single submitter. Criteria: ACMG Guidelines, 2015. Collection method: clinical testing. Allele origin: unknown.

Genetic Services Laboratory, University of Chicago
Classification: Uncertain significance. Last evaluated: 2017-11-09. Review status: criteria provided, single submitter. Criteria: ACMG Guidelines, 2015. Collection method: clinical testing. Allele origin: germline. Affected: no.

GeneDx
Classification: Uncertain significance. Last evaluated: 2017-05-08. Review status: criteria provided, single submitter. Criteria: GeneDx Variant Classification (06012015). Collection method: clinical testing. Allele origin: germline. Affected: yes.
Comment: The L1001V variant in the CEP164 gene has not been reported previously as a pathogenic variant, nor as a benign variant, to our knowledge. The L1001V variant is observed in 25/66,380 (0.04%) alleles from individuals of European (non-Finnish) background in the ExAC dataset (Lek et al., 2016). The L1001V variant is a conservative amino acid substitution, which is not likely to impact secondary protein structure as these residues share similar properties. This substitution occurs at a position where amino acids with similar properties to Leucine are tolerated across species. In silico analysis is inconsistent in its predictions as to whether or not the variant is damaging to the protein structure/function. We interpret L1001V as a variant of uncertain significance.

Clinical Genetics DNA and cytogenetics Diagnostics Lab, Erasmus MC, Erasmus Medical Center
Classification: Uncertain significance for Nephronophthisis 15. Last evaluated: 2016-03-24. Review status: criteria provided, single submitter. Criteria: ACGS Guidelines, 2013. Collection method: clinical testing. Allele origin: germline. Affected: yes. Study: VKGL Data-share Consensus.

Breakthrough Genomics
Classification: Uncertain significance. Review status: criteria provided, single submitter. Criteria: ACMG Guidelines, 2015. Collection method: not provided. Allele origin: germline. Inheritance: Autosomal recessive inheritance. Affected: yes.

Institute of Human Genetics, Univ. Regensburg, Univ. Regensburg
Classification: Uncertain significance for Retinal dystrophy. Last evaluated: 2022-01-01. Review status: no assertion criteria provided. Criteria: ACMG Guidelines, 2015. Collection method: clinical testing. Allele origin: germline. Affected: yes. Not counted in ClinVar's aggregate classification.

Clinical Genetics, Academic Medical Center
Classification: Uncertain significance. Review status: no assertion criteria provided. Collection method: clinical testing. Allele origin: germline. Affected: yes. Study: VKGL Data-share Consensus. Not counted in ClinVar's aggregate classification.

NM_014956.5(CEP164):c.3001C>G (p.Leu1001Val)

Gene: CEP164 (centrosomal protein 164; plus strand). Cytogenetic location: 11q23.3.
Variant type: single nucleotide variant.
Coding change: c.3001C>G on transcript NM_014956.5 (MANE Select); coding-DNA position 3001, C replaced by G.
Protein change: p.Leu1001Val; replaces leucine 1001 with valine.
Molecular consequence: missense variant.
Genome position (GRCh38, 1-based): chr11:117,395,634, C>G. VCF-style: chr11-117395634-C-G. GRCh37 (hg19) VCF-style: chr11-117266350-C-G.
Other names: c.3010C>G, p.Leu1004Val (NM_001271933.2); short protein forms L1001V, L1004V.
Identifiers: ClinVar variation 429616 (VCV000429616.20), dbSNP rs199637319, ClinGen allele CA6295299.